The following is an entry in ClinVar:

ClinVar aggregate classification (germline): Uncertain significance. Review status: criteria provided, multiple submitters, no conflicts (2 of 4 stars). 3 submissions from 3 submitters: Uncertain significance (3). Last evaluated 2025-07-21.

Conditions:
Inborn genetic diseases. Identifiers: MedGen C0950123, MeSH D030342.
Pulmonary fibrosis and/or bone marrow failure, Telomere-related, 3. Also called: PULMONARY FIBROSIS AND/OR BONE MARROW FAILURE SYNDROME, TELOMERE-RELATED, 3. Identifiers: Orphanet 2032, MedGen C4225346, MONDO:0014613, OMIM 616373.
Dyskeratosis congenita, autosomal recessive 5 (DKCB5). Identifiers: MedGen C3554656, MONDO:0014076, OMIM 615190.
Dyskeratosis congenita. Identifiers: Orphanet 1775, MedGen C0265965, MONDO:0015780.

Allele frequency attached by ClinVar (database versions not stated): gnomAD exomes 0.00001; gnomAD 0.00002; TOPMed 0.00002.
gnomAD v4.1: 5 of 1,579,708 alleles (0.00032%); highest among the groups gnomAD compares: African/African-American, 0.004%; no homozygotes.

Submissions (3):

Labcorp Genetics (formerly Invitae), Labcorp
Classification: Uncertain significance for Dyskeratosis congenita, autosomal recessive 5; Pulmonary fibrosis and/or bone marrow failure, Telomere-related, 3. Last evaluated: 2025-07-21. Review status: criteria provided, single submitter. Criteria: Invitae Variant Classification Sherloc (09022015). Collection method: clinical testing. Allele origin: germline.
Comment: This sequence change replaces leucine, which is neutral and non-polar, with valine, which is neutral and non-polar, at codon 838 of the RTEL1 protein (p.Leu838Val). This variant is present in population databases (no rsID available, gnomAD 0.004%). This variant has not been reported in the literature in individuals affected with RTEL1-related conditions. ClinVar contains an entry for this variant (Variation ID: 1692618). An algorithm developed to predict the effect of missense changes on protein structure and function (PolyPhen-2) suggests that this variant is likely to be disruptive. In summary, the available evidence is currently insufficient to determine the role of this variant in disease. Therefore, it has been classified as a Variant of Uncertain Significance.

Ambry Genetics
Classification: Uncertain significance for Inborn genetic diseases. Last evaluated: 2024-11-26. Review status: criteria provided, single submitter. Criteria: Ambry Variant Classification Scheme 2023. Collection method: clinical testing. Allele origin: germline.
Comment: The p.L838V variant (also known as c.2512C>G), located in coding exon 26 of the RTEL1 gene, results from a C to G substitution at nucleotide position 2512. The leucine at codon 838 is replaced by valine, an amino acid with highly similar properties. This amino acid position is conserved. In addition, this alteration is predicted to be tolerated by in silico analysis. Based on the available evidence, the clinical significance of this variant remains unclear.

Sema4
Classification: Uncertain significance for Dyskeratosis congenita. Last evaluated: 2022-03-11. Review status: criteria provided, single submitter. Criteria: Sema4 Curation Guidelines. Collection method: curation. Allele origin: germline.
Comment: The RTEL1 c.2512C>G (p.L838V) variant has not been reported in the literature to our knowledge. This variant was observed in 1/28298 chromosomes in the Latino population according to the Genome Aggregation Database (PMID: 32461654). The variant has not been reported in ClinVar. Functional studies have not been performed, and in silico predictions of the variant's effect on protein function are inconclusive. The evidence is insufficient to meet ACMG/AMP criteria for classifying the variant as benign or pathogenic. Thus, the clinical significance of this variant is currently uncertain.

NM_001283009.2(RTEL1):c.2512C>G (p.Leu838Val)

Genes: RTEL1-TNFRSF6B (RTEL1-TNFRSF6B readthrough (NMD candidate); plus strand), RTEL1 (regulator of telomere elongation helicase 1; plus strand). Cytogenetic location: 20q13.33.
Variant type: single nucleotide variant.
Coding change: c.2512C>G on transcript NM_001283009.2 (MANE Select); coding-DNA position 2512, C replaced by G.
Protein change: p.Leu838Val; replaces leucine 838 with valine.
Molecular consequence: missense variant. On other transcripts: non-coding transcript variant (1).
Genome position (GRCh38, 1-based): chr20:63,690,903, C>G. VCF-style: chr20-63690903-C-G. GRCh37 (hg19) VCF-style: chr20-62322256-C-G.
Other names: c.2584C>G, p.Leu862Val (NM_032957.5); c.1843C>G, p.Leu615Val (NM_001283010.1); c.2512C>G, p.Leu838Val (NM_016434.4); short protein forms L615V, L838V, L862V.
Identifiers: ClinVar variation 1692618 (VCV001692618.7), dbSNP rs996529824, ClinGen allele CA317517151.